The following is an entry in ClinVar:

ClinVar aggregate classification (germline): Uncertain significance (1 of 4 stars; one submission).

gnomAD v4.1: 3 of 1,612,896 alleles (0.00019%); highest among the groups gnomAD compares: Non-Finnish European, 0.00025%; no homozygotes.

Submission:

Labcorp Genetics (formerly Invitae), Labcorp
Classification: Uncertain significance. Last evaluated: 2025-04-11. Review status: criteria provided, single submitter. Criteria: Invitae Variant Classification Sherloc (09022015). Collection method: clinical testing. Allele origin: germline.
Comment: This sequence change replaces alanine, which is neutral and non-polar, with glutamic acid, which is acidic and polar, at codon 1401 of the COL11A1 protein (p.Ala1401Glu). This variant is not present in population databases (gnomAD no frequency). This variant has not been reported in the literature in individuals affected with COL11A1-related conditions. ClinVar contains an entry for this variant (Variation ID: 1349883). Invitae Evidence Modeling of protein sequence and biophysical properties (such as structural, functional, and spatial information, amino acid conservation, physicochemical variation, residue mobility, and thermodynamic stability) indicates that this missense variant is not expected to disrupt COL11A1 protein function with a negative predictive value of 80%. In summary, the available evidence is currently insufficient to determine the role of this variant in disease. Therefore, it has been classified as a Variant of Uncertain Significance.

NM_001854.4(COL11A1):c.4202C>A (p.Ala1401Glu)

Gene: COL11A1 (collagen type XI alpha 1 chain; minus strand). Cytogenetic location: 1p21.1.
Variant type: single nucleotide variant.
Coding change: c.4202C>A on transcript NM_001854.4 (MANE Select); coding-DNA position 4202, C replaced by A.
Protein change: p.Ala1401Glu; replaces alanine 1401 with glutamic acid.
Molecular consequence: missense variant. On other transcripts: non-coding transcript variant (1).
Genome position (GRCh38, 1-based): chr1:102,898,712, G>T on the plus strand (C>A on the coding strand, the complement: COL11A1 is on the minus strand). VCF-style: chr1-102898712-G-T. GRCh37 (hg19) VCF-style: chr1-103364268-G-T.
Other names: c.4085C>A, p.Ala1362Glu (NM_001190709.2); c.4238C>A, p.Ala1413Glu (NM_080629.3); c.3854C>A, p.Ala1285Glu (NM_080630.4); short protein forms A1413E, A1362E, A1285E, A1401E.
Identifiers: ClinVar variation 1349883 (VCV001349883.8), dbSNP rs2100922988, ClinGen allele CA341155334.